The following is an entry in ClinVar:

ClinVar aggregate classification (germline): Pathogenic. Review status: reviewed by expert panel (3 of 4 stars). 3 submissions from 3 submitters: Pathogenic (1). 2 of the submissions do not count toward it. Last evaluated 2016-10-18.

Conditions:
Hereditary breast ovarian cancer syndrome. Also called: Hereditary breast and ovarian cancer syndrome (HBOC); Breast and ovarian cancer; Hereditary breast and ovarian cancer syndrome; Hereditary breast and ovarian cancer; BRCA1- and BRCA2-Associated Hereditary Breast and Ovarian Cancer; Hereditary breast and/or ovarian cancer syndrome. Identifiers: Orphanet 145, MedGen C0677776, MeSH D061325, MONDO:0003582. Disease mechanism: loss of function.
Breast-ovarian cancer, familial, susceptibility to, 1 (BROVCA1). Also called: BRCA1 Hereditary Breast and Ovarian Cancer; OVARIAN CANCER, SUSCEPTIBILITY TO. Identifiers: Orphanet 145, MedGen C2676676, MONDO:0011450, OMIM 604370. Disease mechanism: loss of function.

Submissions (3):

Evidence-based Network for the Interpretation of Germline Mutant Alleles (ENIGMA)
Classification: Pathogenic for Breast-ovarian cancer, familial, susceptibility to, 1. Last evaluated: 2016-10-18. Review status: reviewed by expert panel. Criteria: ENIGMA BRCA1/2 Classification Criteria (2015). Collection method: curation. Allele origin: germline.
Comment: Variant allele predicted to encode a truncated non-functional protein.

Labcorp Genetics (formerly Invitae), Labcorp
Classification: Pathogenic for Hereditary breast ovarian cancer syndrome. Last evaluated: 2018-03-01. Review status: criteria provided, single submitter. Criteria: Invitae Variant Classification Sherloc (09022015). Collection method: clinical testing. Allele origin: germline. Not counted in ClinVar's aggregate classification.
Comment: This sequence change creates a premature translational stop signal (p.Pro58Alafs*8) in the BRCA1 gene. It is expected to result in an absent or disrupted protein product. This variant is not present in population databases (ExAC no frequency). For these reasons, this variant has been classified as Pathogenic. Loss-of-function variants in BRCA1 are known to be pathogenic (PMID: 20104584). This variant has been reported in individuals in the Leiden Open-source Variation Database (PMID: 21520333). ClinVar contains an entry for this variant (Variation ID: 266182).

Consortium of Investigators of Modifiers of BRCA1/2 (CIMBA), c/o University of Cambridge
Classification: Pathogenic for Breast-ovarian cancer, familial, susceptibility to, 1. Last evaluated: 2015-10-02. Review status: criteria provided, single submitter. Criteria: CIMBA Mutation Classification guidelines May 2016. Collection method: clinical testing. Allele origin: germline. Not counted in ClinVar's aggregate classification.

Literature cited by the submitters: PubMed 20104584 (cited by Labcorp Genetics (formerly Invitae), Labcorp); PubMed 21520333 (cited by Labcorp Genetics (formerly Invitae), Labcorp).

NM_007294.4(BRCA1):c.171dup (p.Pro58fs)

Gene: BRCA1 (BRCA1 DNA repair associated; minus strand). Cytogenetic location: 17q21.31.
Variant type: Duplication.
Coding change: c.171dup on transcript NM_007294.4 (MANE Select); coding-DNA position 171, one base duplicated (G; older notation c.171dupG).
Protein change: p.Pro58fs; shifts the reading frame from proline 58.
Molecular consequence: frameshift variant. On other transcripts: non-coding transcript variant (1).
Genome position (GRCh38, 1-based): chr17:43,106,497, C duplicated on the plus strand (G on the coding strand, the reverse complement: BRCA1 is on the minus strand); the first of 3 consecutive C bases (chr17:43,106,497-43,106,499); duplicating any one gives the same sequence. VCF-style (leftmost placement, unchanged base first): chr17-43106496-G-GC. GRCh37 (hg19) VCF-style: chr17-41258513-G-GC.
Other names: 290insG-ter68; c.171dupG (NM_007294.3); c.-20dup (NM_001407571.1, NM_001407853.1, NM_001407879.1 and 58 more transcripts); c.169dup, p.Pro58Alafs (NM_001407581.1, NM_001407582.1, NM_001407583.1 and 166 more transcripts); c.28dup, p.Pro11Alafs (NM_001407692.1, NM_001407694.1, NM_001407695.1 and 98 more transcripts); c.30dup, p.Pro11fs (NM_007297.4); c.171dup, p.Pro58fs (NM_007299.4, NM_007300.4); short protein forms P58fs, P11fs.
Identifiers: ClinVar variation 266182 (VCV000266182.12), dbSNP rs80357660, ClinGen allele CA10590035.
Genomic context (GRCh38, chr17:43,106,496, plus strand): 5'-ATCATTACCAAATTATATACCTTTTGGTTATATCATTCTTACATAAAGGACACTGTGAAG[G>GC]CCCTTTCTTCTGGTTGAGAAGTTTCAGCATGCAAAATCTATAAATTATAAAGAAAGAAAG-3'